The following is an entry in ClinVar:

ClinVar aggregate classification (germline): Uncertain significance (1 of 4 stars; one submission).

Submission:

GeneDx
Classification: Uncertain significance. Last evaluated: 2022-01-29. Review status: criteria provided, single submitter. Criteria: GeneDx Variant Classification Process June 2021. Collection method: clinical testing. Allele origin: germline. Affected: yes.
Comment: Not observed at significant frequency in large population cohorts (gnomAD); In silico analysis supports that this missense variant does not alter protein structure/function; Has not been previously published as pathogenic or benign to our knowledge

NM_182641.4(BPTF):c.1865-5599C>A

Gene: BPTF (bromodomain PHD finger transcription factor; plus strand). Cytogenetic location: 17q24.2.
Variant type: single nucleotide variant.
Coding change: c.1865-5599C>A on transcript NM_182641.4 (MANE Select); 5599 bases into the intron before coding-DNA position 1865, C replaced by A.
Molecular consequence: intron variant. On other transcripts: missense variant (1).
Genome position (GRCh38, 1-based): chr17:67,886,245, C>A. VCF-style: chr17-67886245-C-A. GRCh37 (hg19) VCF-style: chr17-65882361-C-A.
Other names: c.2171C>A, p.Ala724Asp (NM_004459.7); short protein forms A724D.
Identifiers: ClinVar variation 1699643 (VCV001699643.2), dbSNP rs772890962, ClinGen allele CA400716717.